The following is an entry in ClinVar:

NM_004946.3(DOCK2):c.5305G>T (p.Ala1769Ser)

Gene: DOCK2 (dedicator of cytokinesis 2; plus strand). Cytogenetic location: 5q35.1.
Variant type: single nucleotide variant.
Coding change: c.5305G>T on transcript NM_004946.3 (MANE Select); coding-DNA position 5305, G replaced by T.
Protein change: p.Ala1769Ser; replaces alanine 1769 with serine.
Molecular consequence: missense variant. On other transcripts: non-coding transcript variant (1).
Genome position (GRCh38, 1-based): chr5:170,081,859, G>T. VCF-style: chr5-170081859-G-T. GRCh37 (hg19) VCF-style: chr5-169508863-G-T.
Other names: short protein forms A1769S.
Identifiers: ClinVar variation 2130636 (VCV002130636.4), dbSNP rs1758045075, ClinGen allele CA362118880.

ClinVar aggregate classification (germline): Uncertain significance (1 of 4 stars; one submission).

Conditions:
DOCK2 deficiency. Also called: Immunodeficiency 40. Identifiers: Orphanet 447737, MedGen C4225328, MONDO:0014637, OMIM 616433.

Submission:

Labcorp Genetics (formerly Invitae), Labcorp
Classification: Uncertain significance for DOCK2 deficiency. Last evaluated: 2022-04-25. Review status: criteria provided, single submitter. Criteria: Invitae Variant Classification Sherloc (09022015). Collection method: clinical testing. Allele origin: germline.
Comment: In summary, the available evidence is currently insufficient to determine the role of this variant in disease. Therefore, it has been classified as a Variant of Uncertain Significance. Algorithms developed to predict the effect of missense changes on protein structure and function (SIFT, PolyPhen-2, Align-GVGD) all suggest that this variant is likely to be tolerated. This variant has not been reported in the literature in individuals affected with DOCK2-related conditions. This variant is not present in population databases (gnomAD no frequency). This sequence change replaces alanine, which is neutral and non-polar, with serine, which is neutral and polar, at codon 1769 of the DOCK2 protein (p.Ala1769Ser).